The following is an entry in ClinVar:

NM_001303256.3(MORC2):c.988-10A>G

Gene: MORC2 (MORC family CW-type zinc finger 2; minus strand). Cytogenetic location: 22q12.2.
Variant type: single nucleotide variant.
Coding change: c.988-10A>G on transcript NM_001303256.3 (MANE Select); 10 bases into the intron before coding-DNA position 988, A replaced by G.
Molecular consequence: intron variant.
Genome position (GRCh38, 1-based): chr22:30,939,716, T>C on the plus strand (A>G on the coding strand, the complement: MORC2 is on the minus strand). VCF-style: chr22-30939716-T-C. GRCh37 (hg19) VCF-style: chr22-31335703-T-C.
Other names: c.988-10A>G (NM_001303257.2); c.802-10A>G (NM_014941.3).
Identifiers: ClinVar variation 542282 (VCV000542282.11), dbSNP rs370880177, ClinGen allele CA10187065.

ClinVar aggregate classification (germline): Uncertain significance (1 of 4 stars; one submission).

Conditions:
Charcot-Marie-Tooth disease axonal type 2Z. Also called: CHARCOT-MARIE-TOOTH DISEASE, AXONAL, AUTOSOMAL DOMINANT, TYPE 2Z; CHARCOT-MARIE-TOOTH NEUROPATHY, TYPE 2Z. Identifiers: Orphanet 466768, MedGen C5569025, MONDO:0014736, OMIM 616688.

Allele frequency attached by ClinVar (database versions not stated): ExAC 0.00002; gnomAD 0.00002 and 0.00003; gnomAD exomes 0.00002; ESP Exome Variant Server 0.00008; TOPMed 0.00010; 1000 Genomes Project 30x 0.00016; 1000 Genomes Project 0.00020.
gnomAD v4.1: 64 of 1,612,910 alleles (0.004%); highest among the groups gnomAD compares: African/African-American, 0.0093%; 1 homozygote.

Submission:

Labcorp Genetics (formerly Invitae), Labcorp
Classification: Uncertain significance for Charcot-Marie-Tooth disease axonal type 2Z. Last evaluated: 2026-01-06. Review status: criteria provided, single submitter. Criteria: Invitae Variant Classification Sherloc (09022015). Collection method: clinical testing. Allele origin: germline.
Comment: This sequence change falls in intron 11 of the MORC2 gene. It does not directly change the encoded amino acid sequence of the MORC2 protein. This variant is present in population databases (rs370880177, gnomAD 0.01%). This variant has not been reported in the literature in individuals affected with MORC2-related conditions. ClinVar contains an entry for this variant (Variation ID: 542282). Algorithms developed to predict the effect of sequence changes on RNA splicing suggest that this variant may disrupt the consensus splice site. In summary, the available evidence is currently insufficient to determine the role of this variant in disease. Therefore, it has been classified as a Variant of Uncertain Significance.